The following is an entry in ClinVar:

NM_002907.4(RECQL):c.1210C>T (p.Arg404Cys)

Gene: RECQL (RecQ like helicase; minus strand). Cytogenetic location: 12p12.1.
Variant type: single nucleotide variant.
Coding change: c.1210C>T on transcript NM_002907.4 (MANE Select); coding-DNA position 1210, C replaced by T.
Protein change: p.Arg404Cys; replaces arginine 404 with cysteine.
Molecular consequence: missense variant.
Genome position (GRCh38, 1-based): chr12:21,475,474, G>A on the plus strand (C>T on the coding strand, the complement: RECQL is on the minus strand). VCF-style: chr12-21475474-G-A. GRCh37 (hg19) VCF-style: chr12-21628408-G-A.
Other names: c.1210C>T, p.Arg404Cys (NM_032941.3); short protein forms R404C.
Identifiers: ClinVar variation 943693 (VCV000943693.16), dbSNP rs780808359, ClinGen allele CA6478833.

ClinVar aggregate classification (germline): Uncertain significance. Review status: criteria provided, multiple submitters, no conflicts (2 of 4 stars). 4 submissions from 4 submitters: Uncertain significance (4). Last evaluated 2025-07-06.

Allele frequency attached by ClinVar (database versions not stated): gnomAD 0.00001; gnomAD exomes 0.00001 and 0.00002; TOPMed 0.00001; ExAC 0.00002.

Submissions (4):

Labcorp Genetics (formerly Invitae), Labcorp
Classification: Uncertain significance. Last evaluated: 2025-07-06. Review status: criteria provided, single submitter. Criteria: Invitae Variant Classification Sherloc (09022015). Collection method: clinical testing. Allele origin: germline.
Comment: This sequence change replaces arginine, which is basic and polar, with cysteine, which is neutral and slightly polar, at codon 404 of the RECQL protein (p.Arg404Cys). This variant is present in population databases (rs780808359, gnomAD 0.005%). This variant has not been reported in the literature in individuals affected with RECQL-related conditions. ClinVar contains an entry for this variant (Variation ID: 943693). Invitae Evidence Modeling of protein sequence and biophysical properties (such as structural, functional, and spatial information, amino acid conservation, physicochemical variation, residue mobility, and thermodynamic stability) indicates that this missense variant is expected to disrupt RECQL protein function with a positive predictive value of 80%. In summary, the available evidence is currently insufficient to determine the role of this variant in disease. Therefore, it has been classified as a Variant of Uncertain Significance.

Ambry Genetics
Classification: Uncertain significance. Last evaluated: 2024-11-23. Review status: criteria provided, single submitter. Criteria: Ambry Variant Classification Scheme 2023. Collection method: clinical testing. Allele origin: germline.
Comment: The p.R404C variant (also known as c.1210C>T), located in coding exon 9 of the RECQL gene, results from a C to T substitution at nucleotide position 1210. The arginine at codon 404 is replaced by cysteine, an amino acid with highly dissimilar properties. This amino acid position is highly conserved in available vertebrate species. In addition, this alteration is predicted to be deleterious by in silico analysis. The evidence for this gene-disease relationship is limited; therefore, the clinical significance of this alteration is unclear.

Quest Diagnostics Nichols Institute San Juan Capistrano
Classification: Uncertain significance. Last evaluated: 2022-11-11. Review status: criteria provided, single submitter. Criteria: Quest Diagnostics criteria. Collection method: clinical testing. Allele origin: unknown.
Comment: The frequency of this variant in the general population, 0.00002 (5/249026 chromosomes), is uninformative in assessment of its pathogenicity. In the published literature, the variant has been reported in unaffected controls in a breast cancer association study (PMID: 33471991 (2021), see also LOVD) and in an unaffected control in an ovarian cancer association study (PMID: 32546565 (2021)). Analysis of this variant using bioinformatics tools for the prediction of the effect of amino acid changes on protein structure and function yielded predictions that this variant is damaging. Based on the available information, we are unable to determine the clinical significance of this variant.

GeneDx
Classification: Uncertain significance. Last evaluated: 2021-04-08. Review status: criteria provided, single submitter. Criteria: GeneDx Variant Classification Process June 2021. Collection method: clinical testing. Allele origin: germline. Affected: yes.
Comment: Not observed at a significant frequency in large population cohorts (Lek 2016); In silico analysis supports that this missense variant has a deleterious effect on protein structure/function; Has not been previously published as pathogenic or benign to our knowledge; This variant is associated with the following publications: (PMID: 32546565)

Literature cited by the submitters: PubMed 33471991 (cited by Quest Diagnostics Nichols Institute San Juan Capistrano); PubMed 32546565 (cited by Quest Diagnostics Nichols Institute San Juan Capistrano).